The following is an entry in ClinVar:

NM_001034853.2(RPGR):c.1059+363G>A

Gene: RPGR (retinitis pigmentosa GTPase regulator; minus strand). Cytogenetic location: Xp11.4.
Variant type: single nucleotide variant.
Coding change: c.1059+363G>A on transcript NM_001034853.2 (MANE Select); 363 bases into the intron after coding-DNA position 1059, G replaced by A.
Molecular consequence: intron variant.
Genome position (GRCh38, 1-based): chrX:38,300,884, C>T on the plus strand (G>A on the coding strand, the complement: RPGR is on the minus strand). VCF-style: chrX-38300884-C-T. GRCh37 (hg19) VCF-style: chrX-38160137-C-T.
Other names: IVS9AS, G-A, -55; c.1056+363G>A (NM_001367249.1, NM_001367250.1, NM_001367245.1); c.1059+363G>A (NM_001367251.1, NM_001367246.1, NM_001367247.1 and 1 more transcripts); c.1089+363G>A (NM_001367248.1).
Identifiers: ClinVar variation 9921 (VCV000009921.8), dbSNP rs1410177435, ClinGen allele CA640871659.

ClinVar aggregate classification (germline): Uncertain significance. Review status: criteria provided, multiple submitters, no conflicts (2 of 4 stars). 4 submissions from 4 submitters: Uncertain significance (3). 1 of the submissions does not count toward it. Last evaluated 2026-01-12.

Conditions:
Primary ciliary dyskinesia. Also called: Ciliary dyskinesia. Identifiers: Orphanet 244, MedGen C0008780, MONDO:0016575, HP:0012265.
Retinitis pigmentosa 3. Also called: CHOROIDORETINAL DEGENERATION WITH RETINAL REFLEX IN HETEROZYGOUS WOMEN. Identifiers: Orphanet 791, MedGen C1845667, MONDO:0010227, OMIM 300029.

Allele frequency attached by ClinVar (database versions not stated): gnomAD 0.00006 and 0.00010; TOPMed 0.00009.
gnomAD v4.1: 10 of 111,953 alleles (0.0089%); highest among the groups gnomAD compares: Non-Finnish European, 0.013%; no homozygotes.

Submissions (4):

Labcorp Genetics (formerly Invitae), Labcorp
Classification: Uncertain significance for Primary ciliary dyskinesia. Last evaluated: 2026-01-12. Review status: criteria provided, single submitter. Criteria: Invitae Variant Classification Sherloc (09022015). Collection method: clinical testing. Allele origin: germline.
Comment: This sequence change falls in intron 9 of the RPGR gene. It does not directly change the encoded amino acid sequence of the RPGR protein. This variant is present in population databases (no rsID available, gnomAD 0.02%). This variant has been observed in individual(s) with retinitis pigmentosa (PMID: 17405150). ClinVar contains an entry for this variant (Variation ID: 9921). Studies have shown that this variant alters mRNA splicing and is expected to lead to the loss of protein expression (PMID: 17405150, 35166581). In summary, the available evidence is currently insufficient to determine the role of this variant in disease. Therefore, it has been classified as a Variant of Uncertain Significance.

Women's Health and Genetics/Laboratory Corporation of America, LabCorp
Classification: Uncertain significance. Last evaluated: 2025-02-11. Review status: criteria provided, single submitter. Criteria: LabCorp Variant Classification Summary - May 2015. Collection method: clinical testing. Allele origin: germline.
Comment: Variant summary: RPGR c.1059+363G>A is located at a position not widely known to affect splicing. Consensus agreement among computation tools predict no significant impact on normal splicing. At least one publication reports experimental evidence that this variant affects mRNA by increasing the expression level of exon 9a by a factor of approximately 3.5 (Neidhardt_HM_2007). Of note, exon 9a encodes 20 amino acids and introduces a stop codon to the open reading frame of the transcript. The variant allele was found at a frequency of 8.9e-05 in 111953 control chromosomes. This frequency is not significantly higher than estimated for a pathogenic variant in RPGR causing Retinitis Pigmentosa, X-Linked (8.9e-05 vs 0.005), allowing no conclusion about variant significance. c.1059+363G>A has been reported in the literature in one hemizygous individual affected with Retinitis Pigmentosa (e.g., Neidhardt_HM_2007). These data do not allow any conclusion about variant significance. The following publications have been ascertained in the context of this evaluation (PMID: 35166581, 36259723, 17405150). ClinVar contains an entry for this variant (Variation ID: 9921). Based on the evidence outlined above, the variant was classified as VUS-possibly pathogenic.

Blueprint Genetics
Classification: Uncertain significance. Last evaluated: 2023-10-06. Review status: criteria provided, single submitter. Criteria: ACMG Guidelines, 2015. Collection method: clinical testing. Allele origin: germline.

OMIM
Classification: Pathogenic for RETINITIS PIGMENTOSA 3. Last evaluated: 2007-08-01. Review status: no assertion criteria provided. Collection method: literature only. Allele origin: germline. Not counted in ClinVar's aggregate classification.

Literature cited by the submitters: PubMed 17405150 (cited by 3 submitters); PubMed 35166581 (cited by Labcorp Genetics (formerly Invitae), Labcorp and Women's Health and Genetics/Laboratory Corporation of America, LabCorp); PubMed 36259723 (cited by Women's Health and Genetics/Laboratory Corporation of America, LabCorp).